The following is an entry in ClinVar:

NM_014252.4(SLC25A15):c.622+1G>A

Gene: SLC25A15 (solute carrier family 25 member 15; plus strand). Cytogenetic location: 13q14.11.
Variant type: single nucleotide variant.
Coding change: c.622+1G>A on transcript NM_014252.4 (MANE Select); the canonical splice donor site of the intron after coding-DNA position 622, G replaced by A.
Molecular consequence: splice donor variant.
Genome position (GRCh38, 1-based): chr13:40,807,464, G>A. VCF-style: chr13-40807464-G-A. GRCh37 (hg19) VCF-style: chr13-41381600-G-A.
Other names: c.622+1G>A (NM_014252.3).
Identifiers: ClinVar variation 1067190 (VCV001067190.10), dbSNP rs957788324, ClinGen allele CA248380513.

ClinVar aggregate classification (germline): Pathogenic/Likely pathogenic. Review status: criteria provided, multiple submitters, no conflicts (2 of 4 stars). 4 submissions from 4 submitters: Pathogenic (1); Likely pathogenic (3). Last evaluated 2025-07-01.

Conditions:
Hyperornithinemia-hyperammonemia-homocitrullinuria syndrome (HHHS). Also called: Ornithine translocase deficiency; HHH SYNDROME. Identifiers: Orphanet 415, MedGen C0268540, MONDO:0009393, OMIM 238970.

Allele frequency attached by ClinVar (database versions not stated): gnomAD exomes below 0.00001.
gnomAD v4.1: 2 of 1,614,140 alleles (0.00012%); highest among the groups gnomAD compares: Non-Finnish European, 0.00017%; no homozygotes.

Submissions (4):

Natera, Inc.
Classification: Pathogenic for Hyperornithinemia-hyperammonemia-homocitrullinuria syndrome. Last evaluated: 2025-07-01. Review status: criteria provided, single submitter. Criteria: Natera Variant Classification Schema (03/2026). Collection method: clinical testing. Allele origin: germline.
Comment: The c.622+1G>A variant in SLC25A15 is a canonical splice donor site variant predicted to affect pre-mRNA splicing, which may result in an abnormal transcript and altered protein product. This variant is expected to result in nonsense mediated decay, truncation, or a dysfunctional protein product. This variant is rare in the general population with a frequency below the threshold expected for the associated phenotype(s). This variant has been observed in one or more individuals affected with the associated recessive disease, as either homozygous or compound heterozygous with a second variant (PMID: 11552031). Given the available evidence, this variant is classified as Pathogenic.

Baylor Genetics
Classification: Likely pathogenic for Hyperornithinemia-hyperammonemia-homocitrullinuria syndrome. Last evaluated: 2023-09-24. Review status: criteria provided, single submitter. Criteria: ACMG Guidelines, 2015. Collection method: clinical testing. Allele origin: unknown.

Department of Pathology and Laboratory Medicine, Sinai Health System
Classification: Likely pathogenic for ornithine translocase deficiency. Last evaluated: 2022-11-21. Review status: criteria provided, single submitter. Criteria: ACMG Guidelines, 2015. Collection method: research. Allele origin: germline.

Labcorp Genetics (formerly Invitae), Labcorp
Classification: Likely pathogenic for Hyperornithinemia-hyperammonemia-homocitrullinuria syndrome. Last evaluated: 2022-10-14. Review status: criteria provided, single submitter. Criteria: Invitae Variant Classification Sherloc (09022015). Collection method: clinical testing. Allele origin: germline.
Comment: In summary, the currently available evidence indicates that the variant is pathogenic, but additional data are needed to prove that conclusively. Therefore, this variant has been classified as Likely Pathogenic. Algorithms developed to predict the effect of sequence changes on RNA splicing suggest that this variant may disrupt the consensus splice site. ClinVar contains an entry for this variant (Variation ID: 1067190). This variant has not been reported in the literature in individuals affected with SLC25A15-related conditions. This variant is present in population databases (no rsID available, gnomAD 0.0009%). This sequence change affects a donor splice site in intron 5 of the SLC25A15 gene. It is expected to disrupt RNA splicing. Variants that disrupt the donor or acceptor splice site typically lead to a loss of protein function (PMID: 16199547), and loss-of-function variants in SLC25A15 are known to be pathogenic (PMID: 11552031, 19242930).

Literature cited by the submitters: PubMed 11552031 (cited by Natera, Inc. and Labcorp Genetics (formerly Invitae), Labcorp); PubMed 16199547 (cited by Labcorp Genetics (formerly Invitae), Labcorp); PubMed 19242930 (cited by Labcorp Genetics (formerly Invitae), Labcorp).